The following is an entry in ClinVar:

ClinVar aggregate classification (germline): Uncertain significance (1 of 4 stars; one submission).

Submission:

Labcorp Genetics (formerly Invitae), Labcorp
Classification: Uncertain significance. Last evaluated: 2022-07-12. Review status: criteria provided, single submitter. Criteria: Invitae Variant Classification Sherloc (09022015). Collection method: clinical testing. Allele origin: germline.
Comment: This sequence change replaces serine, which is neutral and polar, with arginine, which is basic and polar, at codon 448 of the MYO7A protein (p.Ser448Arg). This variant is not present in population databases (gnomAD no frequency). This variant has not been reported in the literature in individuals affected with MYO7A-related conditions. Algorithms developed to predict the effect of missense changes on protein structure and function are either unavailable or do not agree on the potential impact of this missense change (SIFT: "Deleterious"; PolyPhen-2: "Benign"; Align-GVGD: "Class C0"). Algorithms developed to predict the effect of sequence changes on RNA splicing suggest that this variant may create or strengthen a splice site. In summary, the available evidence is currently insufficient to determine the role of this variant in disease. Therefore, it has been classified as a Variant of Uncertain Significance.

NM_000260.4(MYO7A):c.1342A>C (p.Ser448Arg)

Gene: MYO7A (myosin VIIA; plus strand). Cytogenetic location: 11q13.5.
Variant type: single nucleotide variant.
Coding change: c.1342A>C on transcript NM_000260.4 (MANE Select); coding-DNA position 1342, A replaced by C.
Protein change: p.Ser448Arg; replaces serine 448 with arginine.
Molecular consequence: missense variant.
Genome position (GRCh38, 1-based): chr11:77,161,114, A>C. VCF-style: chr11-77161114-A-C. GRCh37 (hg19) VCF-style: chr11-76872160-A-C.
Other names: c.1342A>C, p.Ser448Arg (NM_001127180.2); c.1309A>C, p.Ser437Arg (NM_001369365.1); short protein forms S437R, S448R.
Identifiers: ClinVar variation 2037351 (VCV002037351.1), dbSNP rs2496846640, ClinGen allele CA381935169.
Genomic context (GRCh38, chr11:77,161,114, plus strand): 5'-AACTCTCGCAGGTCCATCGGCCTCCTGGACATCTTTGGGTTTGAGAACTTTGCTGTGAAC[A>C]GGTACCGCGTGGGGCTCTGCTCATGGGAATTTCCTTCCCCAATATGGAAATAAGAAATAT-3'
Protein context (NP_000251.3, residues 438-458): IFGFENFAVN[Ser448Arg]FEQLCINFAN